The following is an entry in ClinVar:

NM_138694.4(PKHD1):c.2593-2A>G

Gene: PKHD1 (PKHD1 ciliary IPT domain containing fibrocystin/polyductin; minus strand). Cytogenetic location: 6p12.2.
Variant type: single nucleotide variant.
Coding change: c.2593-2A>G on transcript NM_138694.4 (MANE Select); the canonical splice acceptor site of the intron before coding-DNA position 2593, A replaced by G.
Molecular consequence: splice acceptor variant.
Genome position (GRCh38, 1-based): chr6:52,045,090, T>C on the plus strand (A>G on the coding strand, the complement: PKHD1 is on the minus strand). VCF-style: chr6-52045090-T-C. GRCh37 (hg19) VCF-style: chr6-51909888-T-C.
Other names: c.2593-2A>G (NM_170724.3).
Identifiers: ClinVar variation 4816611 (VCV004816611.1).
Genomic context (GRCh38, chr6:52,045,090, plus strand): 5'-TCATATACCACACGCGTGGCTGCAGCAGGATTCACTCCAGTAAGGTTTTCATCAGAGACC[T>C]GAGATGGTTACATTTCTGGTAAATTCTGTCATGGAACCGAAATCTAATCTCGTCTAATCA-3'

ClinVar aggregate classification (germline): Likely pathogenic (1 of 4 stars; one submission).

Conditions:
Autosomal recessive polycystic kidney disease (ARPKD). Also called: AR polycystic kidney disease. Identifiers: Orphanet 731, Orphanet 8378, MedGen C0085548, MeSH D017044, MONDO:0009889.

gnomAD v4.1: 1 of 1,612,886 alleles (0.000062%); highest among the groups gnomAD compares: Non-Finnish European, 0.000085%; no homozygotes.

Submission:

Natera, Inc.
Classification: Likely pathogenic for Autosomal recessive polycystic kidney disease. Last evaluated: 2025-04-28. Review status: criteria provided, single submitter. Criteria: Natera Variant Classification Schema (03/2026). Collection method: clinical testing. Allele origin: germline.
Comment: The c.2593-2A>G variant in PKHD1 is a canonical splice acceptor site variant predicted to affect pre-mRNA splicing, which may result in an abnormal transcript and altered protein product. This variant is expected to result in nonsense mediated decay, truncation, or a dysfunctional protein product. This variant is rare in the general population with a frequency below the threshold expected for the associated phenotype(s). Given the available evidence, this variant is classified as Likely Pathogenic.